The following is an entry in ClinVar:

ClinVar aggregate classification (germline): Uncertain significance (1 of 4 stars; one submission).

gnomAD v4.1: 2 of 1,613,232 alleles (0.00012%); highest among the groups gnomAD compares: Non-Finnish European, 0.00017%; no homozygotes.

Submission:

GeneDx
Classification: Uncertain significance. Last evaluated: 2024-10-02. Review status: criteria provided, single submitter. Criteria: GeneDx Variant Classification Process June 2021. Collection method: clinical testing. Allele origin: germline. Affected: yes.
Comment: Not observed at significant frequency in large population cohorts (gnomAD); In silico analysis supports that this missense variant has a deleterious effect on protein structure/function; Has not been previously published as pathogenic or benign to our knowledge

NM_003024.3(ITSN1):c.53C>A (p.Thr18Asn)

Gene: ITSN1 (intersectin 1; plus strand). Cytogenetic location: 21q22.11.
Variant type: single nucleotide variant.
Coding change: c.53C>A on transcript NM_003024.3 (MANE Select); coding-DNA position 53, C replaced by A.
Protein change: p.Thr18Asn; replaces threonine 18 with asparagine.
Molecular consequence: missense variant.
Genome position (GRCh38, 1-based): chr21:33,721,202, C>A. VCF-style: chr21-33721202-C-A. GRCh37 (hg19) VCF-style: chr21-35093507-C-A.
Other names: c.53C>A, p.Thr18Asn (NM_001001132.2, NM_001331008.2, NM_001331009.2 and 3 more transcripts); short protein forms T18N.
Identifiers: ClinVar variation 3777442 (VCV003777442.1).